The following is an entry in ClinVar:

NM_005751.5(AKAP9):c.3919A>G (p.Ile1307Val)

Gene: AKAP9 (A-kinase anchoring protein 9; plus strand). Cytogenetic location: 7q21.2.
Variant type: single nucleotide variant.
Coding change: c.3919A>G on transcript NM_005751.5 (MANE Select); coding-DNA position 3919, A replaced by G.
Protein change: p.Ile1307Val; replaces isoleucine 1307 with valine.
Molecular consequence: missense variant.
Genome position (GRCh38, 1-based): chr7:92,022,319, A>G. VCF-style: chr7-92022319-A-G. GRCh37 (hg19) VCF-style: chr7-91651633-A-G.
Other names: c.3919A>G, p.Ile1307Val (NM_147185.3); short protein forms I1307V.
Identifiers: ClinVar variation 1736164 (VCV001736164.11), dbSNP rs778955236, ClinGen allele CA4336427.

ClinVar aggregate classification (germline): Uncertain significance. Review status: criteria provided, multiple submitters, no conflicts (2 of 4 stars). 3 submissions from 3 submitters: Uncertain significance (3). Last evaluated 2025-06-16.

Conditions:
Cardiovascular phenotype. Identifiers: MedGen CN230736.
Long QT syndrome (LQTS). Identifiers: MedGen C0023976, MeSH D008133, MONDO:0002442. Disease mechanism: loss of function. Inheritance: Various modes of inheritance.

Allele frequency attached by ClinVar (database versions not stated): gnomAD 0.00004; TOPMed 0.00005.
gnomAD v4.1: 27 of 1,613,000 alleles (0.0017%); highest among the groups gnomAD compares: African/African-American, 0.016%; no homozygotes.

Submissions (3):

Women's Health and Genetics/Laboratory Corporation of America, LabCorp
Classification: Uncertain significance. Last evaluated: 2025-06-16. Review status: criteria provided, single submitter. Criteria: LabCorp Variant Classification Summary - May 2015. Collection method: clinical testing. Allele origin: germline.

Labcorp Genetics (formerly Invitae), Labcorp
Classification: Uncertain significance for Long QT syndrome. Last evaluated: 2025-06-15. Review status: criteria provided, single submitter. Criteria: Invitae Variant Classification Sherloc (09022015). Collection method: clinical testing. Allele origin: germline.
Comment: This sequence change replaces isoleucine, which is neutral and non-polar, with valine, which is neutral and non-polar, at codon 1307 of the AKAP9 protein (p.Ile1307Val). This variant is present in population databases (rs778955236, gnomAD 0.007%). This variant has not been reported in the literature in individuals affected with AKAP9-related conditions. ClinVar contains an entry for this variant (Variation ID: 1736164). An algorithm developed to predict the effect of missense changes on protein structure and function outputs the following: PolyPhen-2: "Benign". The valine amino acid residue is found in multiple mammalian species, which suggests that this missense change does not adversely affect protein function. In summary, the available evidence is currently insufficient to determine the role of this variant in disease. Therefore, it has been classified as a Variant of Uncertain Significance.

Ambry Genetics
Classification: Uncertain significance for Cardiovascular phenotype. Last evaluated: 2025-04-12. Review status: criteria provided, single submitter. Criteria: Ambry Variant Classification Scheme 2023. Collection method: clinical testing. Allele origin: germline.